The following is an entry in ClinVar:

ClinVar aggregate classification (germline): Uncertain significance (1 of 4 stars; one submission).

Submission:

GeneDx
Classification: Uncertain significance. Last evaluated: 2026-03-15. Review status: criteria provided, single submitter. Criteria: GeneDx Variant Classification Process June 2021. Collection method: clinical testing. Allele origin: germline.
Comment: Not observed at significant frequency in large population cohorts (gnomAD); Frameshift variant predicted to result in abnormal protein length as the last 266 amino acids are replaced with 28 different amino acids; Has not been previously published as pathogenic or benign to our knowledge

NM_006922.4(SCN3A):c.5204del (p.Ser1735fs)

Gene: SCN3A (sodium voltage-gated channel alpha subunit 3; minus strand). Cytogenetic location: 2q24.3.
Variant type: Deletion.
Coding change: c.5204del on transcript NM_006922.4 (MANE Select); coding-DNA position 5204, one base deleted (G; older notation c.5204delG).
Protein change: p.Ser1735fs; shifts the reading frame from serine 1735.
Molecular consequence: frameshift variant.
Genome position (GRCh38, 1-based): chr2:165,090,949, C deleted on the plus strand (G on the coding strand, the reverse complement: SCN3A is on the minus strand). VCF-style (leftmost placement, unchanged base first): chr2-165090948-GC-G. GRCh37 (hg19) VCF-style: chr2-165947458-GC-G.
Other names: c.5057del, p.Ser1686fs (NM_001081676.2, NM_001081677.2); short protein forms S1735fs, S1686fs.
Identifiers: ClinVar variation 5008222 (VCV005008222.1).